The following is an entry in ClinVar:

ClinVar aggregate classification (germline): Pathogenic. Review status: criteria provided, multiple submitters, no conflicts (2 of 4 stars). 2 submissions from 2 submitters: Pathogenic (2). Last evaluated 2026-04-16.

Conditions:
Autosomal dominant Alport syndrome (ATS3A). Also called: ALPORT SYNDROME 3A, AUTOSOMAL DOMINANT; Alport syndrome dominant type; Renal failure and sensorineural hearing loss. Identifiers: Orphanet 63, Orphanet 88918, MedGen C5882663, MONDO:0007086, OMIM 104200.
Hematuria, benign familial, 1 (BFH1). Also called: THIN MEMBRANE NEPHROPATHY. Identifiers: MedGen CN376803, MONDO:0007709, OMIM 141200.

Submissions (2):

Centre de Génétique Humaine, Institut de Pathologie Et de Génétique
Classification: Pathogenic for Hematuria, benign familial, 1; Autosomal dominant Alport syndrome. Last evaluated: 2026-04-16. Review status: criteria provided, single submitter. Criteria: ACMG Guidelines, 2015. Collection method: clinical testing. Allele origin: maternal, germline. Inheritance: Autosomal dominant inheritance. Affected: yes. Observed: 3 variant alleles, 3 heterozygotes. Clinical features observed: Microscopic hematuria (HP:0002907), Moderate albuminuria (HP:0012594), Stage 2 chronic kidney disease (HP:0012624). Segregation with disease observed.
Comment: This 1pb deletion is a frameshift variant predicted to result in protein truncation or nonsense mediated decay in a gene for which loss-of-function is a known mechanism of disease (PVS1). This variant is rare: allelic frequency of 0.00012% in gnomAD v4.1.0 database (PM2).

Labcorp Genetics (formerly Invitae), Labcorp
Classification: Pathogenic. Last evaluated: 2022-11-01. Review status: criteria provided, single submitter. Criteria: Invitae Variant Classification Sherloc (09022015). Collection method: clinical testing. Allele origin: germline.
Comment: For these reasons, this variant has been classified as Pathogenic. This variant has not been reported in the literature in individuals affected with COL4A4-related conditions. This variant is not present in population databases (gnomAD no frequency). This sequence change creates a premature translational stop signal (p.Pro1232Glnfs*56) in the COL4A4 gene. It is expected to result in an absent or disrupted protein product. Loss-of-function variants in COL4A4 are known to be pathogenic (PMID: 21196518, 24854265, 25307543).

Literature cited by the submitters: PubMed 21196518 (cited by Labcorp Genetics (formerly Invitae), Labcorp); PubMed 24854265 (cited by Labcorp Genetics (formerly Invitae), Labcorp); PubMed 25307543 (cited by Labcorp Genetics (formerly Invitae), Labcorp).

NM_000092.5(COL4A4):c.3695del (p.Pro1232fs)

Gene: COL4A4 (collagen type IV alpha 4 chain; minus strand). Cytogenetic location: 2q36.3.
Variant type: Deletion.
Coding change: c.3695del on transcript NM_000092.5 (MANE Select); coding-DNA position 3695, one base deleted (C; older notation c.3695delC).
Protein change: p.Pro1232fs; shifts the reading frame from proline 1232.
Molecular consequence: frameshift variant.
Genome position (GRCh38, 1-based): chr2:227,032,159, G deleted on the plus strand (C on the coding strand, the reverse complement: COL4A4 is on the minus strand); the first of 5 consecutive G bases (chr2:227,032,159-227,032,163); deleting any one gives the same sequence. VCF-style (leftmost placement, unchanged base first): chr2-227032158-TG-T. GRCh37 (hg19) VCF-style: chr2-227896874-TG-T.
Other names: p.(Pro1232Glnfs*56); short protein forms P1232fs.
Identifiers: ClinVar variation 2005676 (VCV002005676.5), dbSNP rs2473350308, ClinGen allele CA2580065873.
Genomic context (GRCh38, chr2:227,032,158, plus strand): 5'-AAGGTTTTGGTTTAGTTATTGAAAGAAGGGCAAAGCATGCTACAGCTTACCTGGGGGTCC[TG>T]GGGGACCTTTCTTTCCACGAGGACCTGGAGGAGAGATTCCTGGGCTCCCAGGGTCTCCTC-3'